The following is an entry in ClinVar:

ClinVar aggregate classification (germline): Benign/Likely benign. Review status: criteria provided, multiple submitters, no conflicts (2 of 4 stars). 5 submissions from 5 submitters: Benign (2); Likely benign (2). 1 of the submissions does not count toward it. Last evaluated 2026-08-01.

Conditions:
KMT2C-related disorder. Also called: KMT2C-related condition; KMT2C-related disorders.

Allele frequency attached by ClinVar (database versions not stated): 1000 Genomes Project 30x 0.00094; 1000 Genomes Project 0.00120; TOPMed 0.00134; ESP Exome Variant Server 0.00192; gnomAD 0.00224 and 0.00238; gnomAD exomes 0.00279; ExAC 0.00340.
gnomAD v4.1: 3,702 of 1,614,142 alleles (0.23%); highest among the groups gnomAD compares: Non-Finnish European, 0.23%; 8 homozygotes.

Submissions (5):

CeGaT Center for Human Genetics Tuebingen
Classification: Likely benign. Last evaluated: 2026-08-01. Review status: criteria provided, single submitter. Criteria: CeGaT Center For Human Genetics Tuebingen Variant Classification Criteria Version 2. Collection method: clinical testing. Allele origin: germline. Affected: yes. Observed: 19 variant alleles.
Comment: KMT2C: BP4, BP7, BS1

Labcorp Genetics (formerly Invitae), Labcorp
Classification: Benign. Last evaluated: 2025-11-20. Review status: criteria provided, single submitter. Criteria: Invitae Variant Classification Sherloc (09022015). Collection method: clinical testing. Allele origin: germline.

Blueprint Genetics
Classification: Likely benign. Last evaluated: 2024-11-27. Review status: criteria provided, single submitter. Criteria: ACMG Guidelines, 2015. Collection method: clinical testing. Allele origin: germline.

Breakthrough Genomics
Classification: Benign. Review status: criteria provided, single submitter. Criteria: ACMG Guidelines, 2015. Collection method: not provided. Allele origin: germline. Inheritance: Autosomal dominant inheritance. Affected: yes.

PreventionGenetics, part of Exact Sciences
Classification: Likely benign for KMT2C-related condition. Last evaluated: 2024-02-26. Review status: no assertion criteria provided. Collection method: clinical testing. Allele origin: germline. Not counted in ClinVar's aggregate classification.
Comment: This variant is classified as likely benign based on ACMG/AMP sequence variant interpretation guidelines (Richards et al. 2015 PMID: 25741868, with internal and published modifications).

NM_170606.3(KMT2C):c.14022A>T (p.Ile4674=)

Gene: KMT2C (lysine methyltransferase 2C; minus strand). Cytogenetic location: 7q36.1.
Variant type: single nucleotide variant.
Coding change: c.14022A>T on transcript NM_170606.3 (MANE Select); coding-DNA position 14022, A replaced by T.
Protein change: p.Ile4674=; no amino-acid change (isoleucine 4674 retained).
Molecular consequence: synonymous variant.
Genome position (GRCh38, 1-based): chr7:152,146,608, T>A on the plus strand (A>T on the coding strand, the complement: KMT2C is on the minus strand). VCF-style: chr7-152146608-T-A. GRCh37 (hg19) VCF-style: chr7-151843693-T-A.
Other names: c.14022A>T (NM_170606.2).
Identifiers: ClinVar variation 1168383 (VCV001168383.36), dbSNP rs143292008, ClinGen allele CA4578535.